The following is an entry in ClinVar:

ClinVar aggregate classification (germline): Uncertain significance (1 of 4 stars; one submission).

Conditions:
WFS1-related disorder. Identifiers: MedGen CN379391, MONDO:0700293.

gnomAD v4.1: 1 of 1,612,562 alleles (0.000062%); highest among the groups gnomAD compares: Admixed American, 0.0017%; no homozygotes.

Submission:

PreventionGenetics, part of Exact Sciences
Classification: Uncertain significance for WFS1-related condition. Last evaluated: 2024-10-28. Review status: criteria provided, single submitter. Criteria: ACMG Guidelines, 2015. Collection method: clinical testing. Allele origin: germline.
Comment: The WFS1 c.1592T>G variant is predicted to result in the amino acid substitution p.Leu531Arg. To our knowledge, this variant has not been reported in the literature. This variant is reported in 0.0029% of alleles in individuals of Latino descent in gnomAD. At this time, the clinical significance of this variant is uncertain due to the absence of conclusive functional and genetic evidence.

NM_006005.3(WFS1):c.1592T>G (p.Leu531Arg)

Gene: WFS1 (wolframin ER transmembrane glycoprotein; plus strand). Cytogenetic location: 4p16.1.
Variant type: single nucleotide variant.
Coding change: c.1592T>G on transcript NM_006005.3 (MANE Select); coding-DNA position 1592, T replaced by G.
Protein change: p.Leu531Arg; replaces leucine 531 with arginine.
Molecular consequence: missense variant.
Genome position (GRCh38, 1-based): chr4:6,301,387, T>G. VCF-style: chr4-6301387-T-G. GRCh37 (hg19) VCF-style: chr4-6303114-T-G.
Other names: c.1592T>G, p.Leu531Arg (NM_001145853.1); short protein forms L531R.
Identifiers: ClinVar variation 4998329 (VCV004998329.1).